The following is an entry in ClinVar:

ClinVar aggregate classification (germline): Uncertain significance (1 of 4 stars; one submission).

Submission:

Labcorp Genetics (formerly Invitae), Labcorp
Classification: Uncertain significance. Last evaluated: 2022-06-05. Review status: criteria provided, single submitter. Criteria: Invitae Variant Classification Sherloc (09022015). Collection method: clinical testing. Allele origin: germline.
Comment: This variant is not present in population databases (gnomAD no frequency). This variant has not been reported in the literature in individuals affected with LAMA1-related conditions. ClinVar contains an entry for this variant (Variation ID: 1491498). Algorithms developed to predict the effect of missense changes on protein structure and function are either unavailable or do not agree on the potential impact of this missense change (SIFT: "Deleterious"; PolyPhen-2: "Probably Damaging"; Align-GVGD: "Class C15"). In summary, the available evidence is currently insufficient to determine the role of this variant in disease. Therefore, it has been classified as a Variant of Uncertain Significance. This sequence change replaces histidine, which is basic and polar, with tyrosine, which is neutral and polar, at codon 309 of the LAMA1 protein (p.His309Tyr).

NM_005559.4(LAMA1):c.925C>T (p.His309Tyr)

Gene: LAMA1 (laminin subunit alpha 1; minus strand). Cytogenetic location: 18p11.31.
Variant type: single nucleotide variant.
Coding change: c.925C>T on transcript NM_005559.4 (MANE Select); coding-DNA position 925, C replaced by T.
Protein change: p.His309Tyr; replaces histidine 309 with tyrosine.
Molecular consequence: missense variant.
Genome position (GRCh38, 1-based): chr18:7,044,773, G>A on the plus strand (C>T on the coding strand, the complement: LAMA1 is on the minus strand). VCF-style: chr18-7044773-G-A. GRCh37 (hg19) VCF-style: chr18-7044772-G-A.
Other names: short protein forms H309Y.
Identifiers: ClinVar variation 1491498 (VCV001491498.6), dbSNP rs765760144, ClinGen allele CA401839098.